The following is an entry in ClinVar:

ClinVar aggregate classification (germline): Likely benign (1 of 4 stars; one submission).

Submission:

CeGaT Center for Human Genetics Tuebingen
Classification: Likely benign. Last evaluated: 2025-02-01. Review status: criteria provided, single submitter. Criteria: CeGaT Center For Human Genetics Tuebingen Variant Classification Criteria Version 2. Collection method: clinical testing. Allele origin: germline. Affected: yes. Observed: 1 variant allele.
Comment: KMT2B: BP4, BP7

NM_014727.3(KMT2B):c.3297C>A (p.Gly1099=)

Gene: KMT2B (lysine methyltransferase 2B; plus strand). Cytogenetic location: 19q13.12.
Variant type: single nucleotide variant.
Coding change: c.3297C>A on transcript NM_014727.3 (MANE Select); coding-DNA position 3297, C replaced by A.
Protein change: p.Gly1099=; no amino-acid change (glycine 1099 retained).
Molecular consequence: synonymous variant.
Genome position (GRCh38, 1-based): chr19:35,723,970, C>A. VCF-style: chr19-35723970-C-A. GRCh37 (hg19) VCF-style: chr19-36214871-C-A.
Identifiers: ClinVar variation 3770597 (VCV003770597.13).